The following is an entry in ClinVar:

ClinVar aggregate classification (germline): Uncertain significance (1 of 4 stars; one submission).

Submission:

Labcorp Genetics (formerly Invitae), Labcorp
Classification: Uncertain significance. Last evaluated: 2020-05-07. Review status: criteria provided, single submitter. Criteria: Invitae Variant Classification Sherloc (09022015). Collection method: clinical testing. Allele origin: germline.
Comment: In summary, the available evidence is currently insufficient to determine the role of this variant in disease. Therefore, it has been classified as a Variant of Uncertain Significance. Algorithms developed to predict the effect of missense changes on protein structure and function are either unavailable or do not agree on the potential impact of this missense change (SIFT: "Deleterious"; PolyPhen-2: "Benign"; Align-GVGD: "Class C25"). This variant has not been reported in the literature in individuals with ABRAXAS1-related conditions. This variant is not present in population databases (ExAC no frequency). This sequence change replaces aspartic acid with alanine at codon 241 of the ABRAXAS1 protein (p.Asp241Ala). The aspartic acid residue is weakly conserved and there is a moderate physicochemical difference between aspartic acid and alanine.

NM_139076.3(ABRAXAS1):c.722A>C (p.Asp241Ala)

Gene: ABRAXAS1 (abraxas 1, BRCA1 A complex subunit; minus strand). Cytogenetic location: 4q21.23.
Variant type: single nucleotide variant.
Coding change: c.722A>C on transcript NM_139076.3 (MANE Select); coding-DNA position 722, A replaced by C.
Protein change: p.Asp241Ala; replaces aspartic acid 241 with alanine.
Molecular consequence: missense variant.
Genome position (GRCh38, 1-based): chr4:83,463,568, T>G on the plus strand (A>C on the coding strand, the complement: ABRAXAS1 is on the minus strand). VCF-style: chr4-83463568-T-G. GRCh37 (hg19) VCF-style: chr4-84384721-T-G.
Other names: c.395A>C, p.Asp132Ala (NM_001345962.2); short protein forms D132A, D241A.
Identifiers: ClinVar variation 1063900 (VCV001063900.9), dbSNP rs2110034041, ClinGen allele CA357256925.
Genomic context (GRCh38, chr4:83,463,568, plus strand): 5'-TGTGCTCCTCTCCTTTTCTCAATTTCTCGTTTTAATCTGTTTACATCCTTTACTAGTTTA[T>G]CTACTGCTTGTTCACTGTCTTCCACTTTTTTGCATATACTCTGCAAAATAAAGTAATTTA-3'
Protein context (NP_620775.2, residues 231-251): KKVEDSEQAV[Asp241Ala]KLVKDVNRLK